The following is an entry in ClinVar:

ClinVar aggregate classification (germline): Conflicting classifications of pathogenicity. Review status: criteria provided, conflicting classifications (1 of 4 stars). 2 submissions from 2 submitters: Uncertain significance (1); Likely benign (1). Last evaluated 2024-07-10.

Conditions:
Fanconi anemia (FA). Also called: Fanconi's anemia. Identifiers: Orphanet 84, MedGen C0015625, MeSH D005199, MONDO:0019391.
Hereditary cancer-predisposing syndrome. Also called: Tumor predisposition; Hereditary neoplastic syndrome; Neoplastic Syndromes, Hereditary; Hereditary Cancer Syndrome. Identifiers: Orphanet 140162, MedGen C0027672, MeSH D009386, MONDO:0015356.

Allele frequency attached by ClinVar (database versions not stated): gnomAD exomes below 0.00001; ExAC 0.00001.
gnomAD v4.1: 1 of 1,614,148 alleles (0.000062%); highest among the groups gnomAD compares: Non-Finnish European, 0.000085%; no homozygotes.

Submissions (2):

Ambry Genetics
Classification: Likely benign for Hereditary cancer-predisposing syndrome. Last evaluated: 2024-07-10. Review status: criteria provided, single submitter. Criteria: Ambry Variant Classification Scheme 2023. Collection method: clinical testing. Allele origin: germline.

Labcorp Genetics (formerly Invitae), Labcorp
Classification: Uncertain significance for Fanconi anemia. Last evaluated: 2023-10-10. Review status: criteria provided, single submitter. Criteria: Invitae Variant Classification Sherloc (09022015). Collection method: clinical testing. Allele origin: germline.
Comment: This sequence change replaces isoleucine, which is neutral and non-polar, with methionine, which is neutral and non-polar, at codon 398 of the FANCC protein (p.Ile398Met). This variant is present in population databases (rs752274299, gnomAD 0.0009%). This variant has not been reported in the literature in individuals affected with FANCC-related conditions. ClinVar contains an entry for this variant (Variation ID: 855889). Advanced modeling of protein sequence and biophysical properties (such as structural, functional, and spatial information, amino acid conservation, physicochemical variation, residue mobility, and thermodynamic stability) performed at Invitae indicates that this missense variant is not expected to disrupt FANCC protein function. In summary, the available evidence is currently insufficient to determine the role of this variant in disease. Therefore, it has been classified as a Variant of Uncertain Significance.

NM_000136.3(FANCC):c.1194T>G (p.Ile398Met)

Genes: AOPEP (aminopeptidase O (putative); plus strand), FANCC (FA complementation group C; minus strand). Cytogenetic location: 9q22.32.
Variant type: single nucleotide variant.
Coding change: c.1194T>G on transcript NM_000136.3 (MANE Select); coding-DNA position 1194, T replaced by G.
Protein change: p.Ile398Met; replaces isoleucine 398 with methionine.
Molecular consequence: missense variant.
Genome position (GRCh38, 1-based): chr9:95,111,598, A>C on the plus strand (T>G on the coding strand, the complement: FANCC is on the minus strand). VCF-style: chr9-95111598-A-C. GRCh37 (hg19) VCF-style: chr9-97873880-A-C.
Other names: c.1194T>G, p.Ile398Met (NM_001243743.2, NM_001243744.2); short protein forms I398M.
Identifiers: ClinVar variation 855889 (VCV000855889.12), dbSNP rs752274299, ClinGen allele CA5137422.